The following is an entry in ClinVar:

ClinVar aggregate classification (germline): Benign (1 of 4 stars; one submission).

Allele frequency attached by ClinVar (database versions not stated): TOPMed 0.39873; gnomAD 0.40228 and 0.40260; 1000 Genomes Project 30x 0.42973; 1000 Genomes Project 0.43011.
gnomAD v4.1: 61,232 of 151,830 alleles (40%); highest among the groups gnomAD compares: African/African-American, 48%; 12,670 homozygotes.

Submission:

GeneDx
Classification: Benign. Last evaluated: 2018-06-14. Review status: criteria provided, single submitter. Criteria: GeneDx Variant Classification (06012015). Collection method: clinical testing. Allele origin: germline. Affected: yes.
Comment: This variant is considered likely benign or benign based on one or more of the following criteria: it is a conservative change, it occurs at a poorly conserved position in the protein, it is predicted to be benign by multiple in silico algorithms, and/or has population frequency not consistent with disease.

NM_001377.3(DYNC2H1):c.10761+295C>T

Gene: DYNC2H1 (dynein cytoplasmic 2 heavy chain 1; plus strand). Cytogenetic location: 11q22.3.
Variant type: single nucleotide variant.
Coding change: c.10761+295C>T on transcript NM_001377.3 (MANE Select); 295 bases into the intron after coding-DNA position 10761, C replaced by T.
Molecular consequence: intron variant.
Genome position (GRCh38, 1-based): chr11:103,280,708, C>T. VCF-style: chr11-103280708-C-T. GRCh37 (hg19) VCF-style: chr11-103151437-C-T.
Other names: c.10782+295C>T (NM_001080463.2).
Identifiers: ClinVar variation 667755 (VCV000667755.1), dbSNP rs10736626, ClinGen allele CA227420252.